The following is an entry in ClinVar:

ClinVar aggregate classification (germline): Pathogenic/Likely pathogenic. Review status: criteria provided, multiple submitters, no conflicts (2 of 4 stars). 2 submissions from 2 submitters: Pathogenic (1); Likely pathogenic (1). Last evaluated 2025-10-01.

Conditions:
Renal carnitine transport defect (CDSP). Also called: Carnitine transporter deficiency; Carnitine Deficiency, Systemic; Systemic primary carnitine deficiency disease; Primary carnitine deficiency; CARNITINE DEFICIENCY, SYSTEMIC, DUE TO DEFECT IN RENAL REABSORPTION OF CARNITINE; CARNITINE TRANSPORTER, PLASMA-MEMBRANE, DEFICIENCY OF. Identifiers: Orphanet 158, MedGen C0342788, MONDO:0008919, OMIM 212140.

Allele frequency attached by ClinVar (database versions not stated): gnomAD exomes below 0.00001.
gnomAD v4.1: 1 of 1,614,220 alleles (0.000062%); highest among the groups gnomAD compares: Non-Finnish European, 0.000085%; no homozygotes.

Submissions (2):

Women's Health and Genetics/Laboratory Corporation of America, LabCorp
Classification: Likely pathogenic for Renal carnitine transport defect. Last evaluated: 2025-10-01. Review status: criteria provided, single submitter. Criteria: LabCorp Variant Classification Summary - May 2015. Collection method: clinical testing. Allele origin: germline.
Comment: Variant summary: SLC22A5 c.1159T>C (p.Tyr387His) results in a conservative amino acid change located in the Major facilitator superfamily domain (IPR020846) of the encoded protein sequence. Algorithms developed to predict the effect of missense changes on protein structure and function are either unavailable or do not agree on the potential impact of this missense change. The variant was absent in 251480 control chromosomes. c.1159T>C has been reported in the literature in at least 2 individuals affected with .clinical features of Systemic Primary Carnitine Deficiency (e.g. Gallant_2017, Labcorp Genetics (formerly Invitae)). These data indicate that the variant may be associated with disease. To our knowledge, no experimental evidence demonstrating an impact on protein function has been reported. The following publications have been ascertained in the context of this evaluation (PMID: 32778825, 28711408). ClinVar contains an entry for this variant (Variation ID: 1499745). Based on the evidence outlined above, the variant was classified as likely pathogenic.

Labcorp Genetics (formerly Invitae), Labcorp
Classification: Pathogenic for Renal carnitine transport defect. Last evaluated: 2024-12-26. Review status: criteria provided, single submitter. Criteria: Invitae Variant Classification Sherloc (09022015). Collection method: clinical testing. Allele origin: germline.
Comment: This sequence change replaces tyrosine, which is neutral and polar, with histidine, which is basic and polar, at codon 387 of the SLC22A5 protein (p.Tyr387His). This variant is not present in population databases (gnomAD no frequency). This missense change has been observed in individual(s) with clinical features of SLC22A5-related conditions (PMID: 28711408, 32778825; internal data). In at least one individual the data is consistent with being in trans (on the opposite chromosome) from a pathogenic variant. ClinVar contains an entry for this variant (Variation ID: 1499745). Invitae Evidence Modeling of protein sequence and biophysical properties (such as structural, functional, and spatial information, amino acid conservation, physicochemical variation, residue mobility, and thermodynamic stability) indicates that this missense variant is expected to disrupt SLC22A5 protein function with a positive predictive value of 95%. This variant disrupts the p.Tyr387 amino acid residue in SLC22A5. Other variant(s) that disrupt this residue have been observed in individuals with SLC22A5-related conditions (PMID: 33181153), which suggests that this may be a clinically significant amino acid residue. For these reasons, this variant has been classified as Pathogenic.

Literature cited by the submitters: PubMed 28711408 (cited by Women's Health and Genetics/Laboratory Corporation of America, LabCorp and Labcorp Genetics (formerly Invitae), Labcorp); PubMed 32778825 (cited by Women's Health and Genetics/Laboratory Corporation of America, LabCorp and Labcorp Genetics (formerly Invitae), Labcorp); PubMed 33181153 (cited by Labcorp Genetics (formerly Invitae), Labcorp).

NM_003060.4(SLC22A5):c.1159T>C (p.Tyr387His)

Gene: SLC22A5 (solute carrier family 22 member 5; plus strand). Cytogenetic location: 5q31.1.
Variant type: single nucleotide variant.
Coding change: c.1159T>C on transcript NM_003060.4 (MANE Select); coding-DNA position 1159, T replaced by C.
Protein change: p.Tyr387His; replaces tyrosine 387 with histidine.
Molecular consequence: missense variant.
Genome position (GRCh38, 1-based): chr5:132,390,796, T>C. VCF-style: chr5-132390796-T-C. GRCh37 (hg19) VCF-style: chr5-131726488-T-C.
Other names: c.1231T>C, p.Tyr411His (NM_001308122.2); short protein forms Y387H, Y411H.
Identifiers: ClinVar variation 1499745 (VCV001499745.9), dbSNP rs2126789736, ClinGen allele CA360807649.